The following is an entry in ClinVar:

NM_000264.5(PTCH1):c.1482del (p.Phe495fs)

Gene: PTCH1 (patched 1; minus strand). Cytogenetic location: 9q22.32.
Variant type: Deletion.
Coding change: c.1482del on transcript NM_000264.5 (MANE Select); coding-DNA position 1482, one base deleted (C; older notation c.1482delC).
Protein change: p.Phe495fs; shifts the reading frame from phenylalanine 495.
Molecular consequence: frameshift variant. On other transcripts: non-coding transcript variant (1), intron variant (1).
Genome position (GRCh38, 1-based): chr9:95,477,568, G deleted on the plus strand (C on the coding strand, the reverse complement: PTCH1 is on the minus strand); the first of 2 consecutive G bases (chr9:95,477,568-95,477,569); deleting either gives the same sequence. VCF-style (leftmost placement, unchanged base first): chr9-95477567-AG-A. GRCh37 (hg19) VCF-style: chr9-98239849-AG-A.
Other names: c.1284del, p.Phe429fs (NM_001083602.3); c.1479del, p.Phe494fs (NM_001083603.3); c.1029del, p.Phe344fs (NM_001083604.3, NM_001083605.3, NM_001083606.3 and 1 more transcripts); c.1347+487del (NM_001354918.2); short protein forms F344fs, F494fs, F495fs, F429fs.
Identifiers: ClinVar variation 2710957 (VCV002710957.3), dbSNP rs2538204787, ClinGen allele CA2697557855.

ClinVar aggregate classification (germline): Pathogenic (1 of 4 stars; one submission).

Conditions:
Gorlin syndrome. Also called: Nevoid Basal Cell Carcinoma Syndrome; Basal cell nevus syndrome. Identifiers: Orphanet 377, MedGen C0004779, MONDO:0007187.

Submission:

Labcorp Genetics (formerly Invitae), Labcorp
Classification: Pathogenic for Gorlin syndrome. Last evaluated: 2024-01-24. Review status: criteria provided, single submitter. Criteria: Invitae Variant Classification Sherloc (09022015). Collection method: clinical testing. Allele origin: germline.
Comment: This sequence change creates a premature translational stop signal (p.Phe495Leufs*47) in the PTCH1 gene. It is expected to result in an absent or disrupted protein product. Loss-of-function variants in PTCH1 are known to be pathogenic (PMID: 16301862, 16419085). This variant is not present in population databases (gnomAD no frequency). This variant has not been reported in the literature in individuals affected with PTCH1-related conditions. For these reasons, this variant has been classified as Pathogenic.

Literature cited by the submitters: PubMed 16301862; PubMed 16419085.